The following is an entry in ClinVar:

NM_023036.6(DNAI2):c.1737AGA[2] (p.Glu581del)

Gene: DNAI2 (dynein axonemal intermediate chain 2; plus strand). Cytogenetic location: 17q25.1.
Variant type: Microsatellite.
Coding change: c.1737AGA[2] on transcript NM_023036.6 (MANE Select); two copies in a row of the 3-base unit AGA starting at c.1737; the reference has three copies in a row; one copy, 3 bases deleted; also written c.1743_1745del.
Protein change: p.Glu581del; deletes glutamic acid 581.
Molecular consequence: inframe deletion. On other transcripts: non-coding transcript variant (1).
Genome position (GRCh38, 1-based): chr17:74,314,141-74,314,143, AGA deleted; deleting any 3 consecutive bases within chr17:74,314,135-74,314,143 gives the same sequence; the position shown is the placement nearest the transcript's 3' end. VCF-style (leftmost placement, unchanged base first): chr17-74314134-CAGA-C. GRCh37 (hg19) VCF-style: chr17-72310273-CAGA-C.
Other names: c.1701AGA[2], p.Glu569del (NM_001172810.3); c.1869AGA[2], p.Glu625del (NM_001353167.2); c.1743_1745del (NM_023036.4); short protein forms E581del, E569del, E625del.
Identifiers: ClinVar variation 5037705 (VCV005037705.1), dbSNP rs886053379.

ClinVar aggregate classification (germline): Uncertain significance (1 of 4 stars; one submission).

Submission:

GeneDx
Classification: Uncertain significance. Last evaluated: 2026-04-17. Review status: criteria provided, single submitter. Criteria: GeneDx Variant Classification Process June 2021. Collection method: clinical testing. Allele origin: germline.
Comment: Not observed at significant frequency in large population cohorts (gnomAD); In-frame deletion of 1 amino acid(s) in a non-repeat region; In silico analysis suggests that this variant does not alter protein structure/function; Has not been previously published as pathogenic or benign to our knowledge